The following is an entry in ClinVar:

ClinVar aggregate classification (germline): Benign (1 of 4 stars; one submission).

Conditions:
Quebec platelet disorder (QPD). Also called: FACTOR V QUEBEC; BLEEDING DISORDER, PLATELET-TYPE, 5. Identifiers: Orphanet 220436, MedGen C1866423, MONDO:0011136, OMIM 601709.

Allele frequency attached by ClinVar (database versions not stated): 1000 Genomes Project 0.01098; TOPMed 0.00214; 1000 Genomes Project 30x 0.01124; gnomAD exomes 0.00021; gnomAD 0.00143 and 0.00197.
gnomAD v4.1: 297 of 157,284 alleles (0.19%); highest among the groups gnomAD compares: East Asian, 5.4%; 8 homozygotes.

Submission:

Illumina Laboratory Services, Illumina
Classification: Benign for Quebec platelet disorder. Last evaluated: 2018-01-13. Review status: criteria provided, single submitter. Criteria: ICSL Variant Classification Criteria 13 December 2019. Collection method: clinical testing. Allele origin: germline.
Comment: This variant was observed in the ICSL laboratory as part of a predisposition screen in an ostensibly healthy population. It had not been previously curated by ICSL or reported in the Human Gene Mutation Database (HGMD: prior to June 1st, 2018), and was therefore a candidate for classification through an automated scoring system. Utilizing variant allele frequency, disease prevalence and penetrance estimates, and inheritance mode, an automated score was calculated to assess if this variant is too frequent to cause the disease. Based on the score and internal cut-off values, a variant classified as benign is not then subjected to further curation. The score for this variant resulted in a classification of benign for this disease.

NM_002658.6(PLAU):c.*520G>T

Genes: C10orf55 (chromosome 10 putative open reading frame 55; minus strand), PLAU (plasminogen activator, urokinase; plus strand). Cytogenetic location: 10q22.2.
Variant type: single nucleotide variant.
Coding change: c.*520G>T on transcript NM_002658.6 (MANE Select); 520 bases downstream of the stop codon, G replaced by T.
Molecular consequence: 3 prime UTR variant.
Genome position (GRCh38, 1-based): chr10:73,917,085, G>T. VCF-style: chr10-73917085-G-T. GRCh37 (hg19) VCF-style: chr10-75676843-G-T.
Other names: c.*520G>T (NM_001145031.3, NM_001319191.2).
Identifiers: ClinVar variation 300772 (VCV000300772.5), dbSNP rs117134857, ClinGen allele CA10632232.